The following is an entry in ClinVar:

ClinVar aggregate classification (germline): Benign/Likely benign. Review status: criteria provided, multiple submitters, no conflicts (2 of 4 stars). 8 submissions from 8 submitters: Benign (4); Likely benign (1). 3 of the submissions do not count toward it. Last evaluated 2026-02-04.

Conditions:
Usher syndrome type 1F (USH1F). Also called: USHER SYNDROME, TYPE IF. Identifiers: Orphanet 231169, Orphanet 886, MedGen C1865885, MONDO:0011186, OMIM 602083.

Allele frequency attached by ClinVar (database versions not stated): gnomAD exomes 0.00043 and 0.00128; gnomAD 0.00527 and 0.00558; ExAC 0.00153; ESP Exome Variant Server 0.00569; TOPMed 0.00583; 1000 Genomes Project 0.00639; 1000 Genomes Project 30x 0.00671.
gnomAD v4.1: 1,456 of 1,614,076 alleles (0.09%); highest among the groups gnomAD compares: African/African-American, 1.7%; 16 homozygotes.

Submissions (8):

Labcorp Genetics (formerly Invitae), Labcorp
Classification: Benign. Last evaluated: 2026-02-04. Review status: criteria provided, single submitter. Criteria: Invitae Variant Classification Sherloc (09022015). Collection method: clinical testing. Allele origin: germline.

Mayo Clinic Laboratories, Mayo Clinic
Classification: Benign. Last evaluated: 2025-03-21. Review status: criteria provided, single submitter. Criteria: ACMG Guidelines, 2015. Collection method: clinical testing. Allele origin: germline. Observed: 1 variant allele.
Comment: BA1, BS2, BP4, BP7

Blueprint Genetics
Classification: Likely benign. Last evaluated: 2024-10-02. Review status: criteria provided, single submitter. Criteria: ACMG Guidelines, 2015. Collection method: clinical testing. Allele origin: germline.

GeneDx
Classification: Benign. Last evaluated: 2018-06-08. Review status: criteria provided, single submitter. Criteria: GeneDx Variant Classification Process June 2021. Collection method: clinical testing. Allele origin: germline. Affected: yes.

Laboratory for Molecular Medicine, Mass General Brigham Personalized Medicine
Classification: Benign. Last evaluated: 2012-05-14. Review status: criteria provided, single submitter. Criteria: LMM Criteria. Collection method: clinical testing. Allele origin: germline. Observed: 8 variant alleles.
Comment: Thr1628Thr in Exon 33 of PCDH15: This variant is not expected to have clinical s ignificance because it does not alter an amino acid residue, is not located with in the splice consensus sequence, and has been identified in 1.6% (59/3738) of A frican American chromosomes from a broad population by the NHLBI Exome Sequencin g Project (dbSNP rs16937781).

Natera, Inc.
Classification: Benign for Usher syndrome type 1F. Last evaluated: 2019-12-06. Review status: no assertion criteria provided. Collection method: clinical testing. Allele origin: germline. Not counted in ClinVar's aggregate classification.

Clinical Genetics DNA and cytogenetics Diagnostics Lab, Erasmus MC, Erasmus Medical Center
Classification: Benign. Review status: no assertion criteria provided. Collection method: clinical testing. Allele origin: germline. Affected: yes. Study: VKGL Data-share Consensus. Not counted in ClinVar's aggregate classification.

Clinical Genetics, Academic Medical Center
Classification: Benign. Review status: no assertion criteria provided. Collection method: clinical testing. Allele origin: germline. Affected: yes. Study: VKGL Data-share Consensus. Not counted in ClinVar's aggregate classification.

NM_033056.4(PCDH15):c.4884T>C (p.Thr1628=)

Gene: PCDH15 (protocadherin related 15; minus strand). Cytogenetic location: 10q21.1.
Variant type: single nucleotide variant.
Coding change: c.4884T>C on transcript NM_033056.4 (MANE Plus Clinical); coding-DNA position 4884, T replaced by C.
Protein change: p.Thr1628=; no amino-acid change (threonine 1628 retained).
Molecular consequence: synonymous variant. On other transcripts: intron variant (8).
Genome position (GRCh38, 1-based): chr10:53,822,842, A>G on the plus strand (T>C on the coding strand, the complement: PCDH15 is on the minus strand). VCF-style: chr10-53822842-A-G. GRCh37 (hg19) VCF-style: chr10-55582602-A-G.
Other names: p.Thr1628=; c.4367+4551T>C (NM_001354420.2, NM_001354429.2); c.4368-2612T>C (NM_001384140.1); c.4373+2294T>C (NM_001142772.2, NM_001142770.3); c.4388+2294T>C (NM_001142771.2); c.4388+4551T>C (NM_001354411.2); c.4409+2294T>C (NM_001142769.3); c.4905T>C, p.Thr1635= (NM_001142763.2); and 7 more.
Identifiers: ClinVar variation 46487 (VCV000046487.22), dbSNP rs16937781, ClinGen allele CA138447.